The following is an entry in ClinVar:

ClinVar aggregate classification (germline): Likely pathogenic (1 of 4 stars; one submission).

Submission:

Labcorp Genetics (formerly Invitae), Labcorp
Classification: Likely pathogenic. Last evaluated: 2023-07-21. Review status: criteria provided, single submitter. Criteria: Invitae Variant Classification Sherloc (09022015). Collection method: clinical testing. Allele origin: germline.
Comment: This sequence change affects a donor splice site in intron 1 of the EIF2B1 gene. It is expected to disrupt RNA splicing. Variants that disrupt the donor or acceptor splice site typically lead to a loss of protein function (PMID: 16199547), and loss-of-function variants in EIF2B1 are known to be pathogenic (PMID: 11835386, 32865661). This variant is not present in population databases (gnomAD no frequency). This variant has not been reported in the literature in individuals affected with EIF2B1-related conditions. ClinVar contains an entry for this variant (Variation ID: 2025721). Algorithms developed to predict the effect of sequence changes on RNA splicing suggest that this variant may disrupt the consensus splice site. In summary, the currently available evidence indicates that the variant is pathogenic, but additional data are needed to prove that conclusively. Therefore, this variant has been classified as Likely Pathogenic.

Literature cited by the submitters: PubMed 16199547; PubMed 11835386; PubMed 32865661.

NM_001414.4(EIF2B1):c.13+1G>T

Gene: EIF2B1 (eukaryotic translation initiation factor 2B subunit alpha; minus strand). Cytogenetic location: 12q24.31.
Variant type: single nucleotide variant.
Coding change: c.13+1G>T on transcript NM_001414.4 (MANE Select); the canonical splice donor site of the intron after coding-DNA position 13, G replaced by T.
Molecular consequence: splice donor variant.
Genome position (GRCh38, 1-based): chr12:123,633,544, C>A on the plus strand (G>T on the coding strand, the complement: EIF2B1 is on the minus strand). VCF-style: chr12-123633544-C-A. GRCh37 (hg19) VCF-style: chr12-124118091-C-A.
Identifiers: ClinVar variation 2025721 (VCV002025721.4), dbSNP rs2541682153, ClinGen allele CA387147478.